The following is an entry in ClinVar:

NM_198503.5(KCNT2):c.1439T>G (p.Met480Arg)

Gene: KCNT2 (potassium sodium-activated channel subfamily T member 2; minus strand). Cytogenetic location: 1q31.3.
Variant type: single nucleotide variant.
Coding change: c.1439T>G on transcript NM_198503.5 (MANE Select); coding-DNA position 1439, T replaced by G.
Protein change: p.Met480Arg; replaces methionine 480 with arginine.
Molecular consequence: missense variant. On other transcripts: non-coding transcript variant (2), intron variant (1).
Genome position (GRCh38, 1-based): chr1:196,342,193, A>C on the plus strand (T>G on the coding strand, the complement: KCNT2 is on the minus strand). VCF-style: chr1-196342193-A-C. GRCh37 (hg19) VCF-style: chr1-196311323-A-C.
Other names: c.1439T>G, p.Met480Arg (NM_001287819.3); c.1404-1623T>G (NM_001287820.3); short protein forms M480R.
Identifiers: ClinVar variation 4281048 (VCV004281048.7).
Genomic context (GRCh38, chr1:196,342,193, plus strand): 5'-AAAAATGTACTTTCTTCCAAAACAATGTGGTAGACTTCATTCCCGGAGCATCTACCGTAC[A>C]TCTTCTGCCATTGTTCTGGCGATTGCTGGCCTTCTCTGCAACACAGGCACACACACATAC-3'
Protein context (NP_940905.2, residues 470-490): GQQSPEQWQK[Met480Arg]YGRCSGNEVY

ClinVar aggregate classification (germline): Uncertain significance (1 of 4 stars; one submission).

gnomAD v4.1: 9 of 1,611,544 alleles (0.00056%); highest among the groups gnomAD compares: Middle Eastern, 0.15%; 1 homozygote.

Submission:

CeGaT Center for Human Genetics Tuebingen
Classification: Uncertain significance. Last evaluated: 2025-09-01. Review status: criteria provided, single submitter. Criteria: CeGaT Center For Human Genetics Tuebingen Variant Classification Criteria Version 2. Collection method: clinical testing. Allele origin: germline. Affected: yes. Observed: 1 variant allele.
Comment: KCNT2: PM2, BP4